The following is an entry in ClinVar:

NM_005506.4(SCARB2):c.1399-220G>T

Gene: SCARB2 (scavenger receptor class B member 2; minus strand). Cytogenetic location: 4q21.1.
Variant type: single nucleotide variant.
Coding change: c.1399-220G>T on transcript NM_005506.4 (MANE Select); 220 bases into the intron before coding-DNA position 1399, G replaced by T.
Molecular consequence: intron variant.
Genome position (GRCh38, 1-based): chr4:76,161,971, C>A on the plus strand (G>T on the coding strand, the complement: SCARB2 is on the minus strand). VCF-style: chr4-76161971-C-A. GRCh37 (hg19) VCF-style: chr4-77083124-C-A.
Other names: c.970-220G>T (NM_001204255.2).
Identifiers: ClinVar variation 673157 (VCV000673157.2), dbSNP rs75945181, ClinGen allele CA15322639.

ClinVar aggregate classification (germline): Benign. Review status: criteria provided, multiple submitters, no conflicts (2 of 4 stars). 2 submissions from 2 submitters: Benign (2). Last evaluated 2018-06-14.

Allele frequency attached by ClinVar (database versions not stated): gnomAD 0.02339 and 0.02423; TOPMed 0.02642; 1000 Genomes Project 30x 0.03467; 1000 Genomes Project 0.03474.
gnomAD v4.1: 6,710 of 612,698 alleles (1.1%); highest among the groups gnomAD compares: African/African-American, 7.1%; 185 homozygotes.

Submissions (2):

GeneDx
Classification: Benign. Last evaluated: 2018-06-14. Review status: criteria provided, single submitter. Criteria: GeneDx Variant Classification (06012015). Collection method: clinical testing. Allele origin: germline. Affected: yes.
Comment: This variant is considered likely benign or benign based on one or more of the following criteria: it is a conservative change, it occurs at a poorly conserved position in the protein, it is predicted to be benign by multiple in silico algorithms, and/or has population frequency not consistent with disease.

Breakthrough Genomics
Classification: Benign. Review status: criteria provided, single submitter. Criteria: ACMG Guidelines, 2015. Collection method: not provided. Allele origin: germline. Inheritance: Autosomal recessive inheritance. Affected: yes.